The following is an entry in ClinVar:

NM_030662.4(MAP2K2):c.451-7C>T

Gene: MAP2K2 (mitogen-activated protein kinase kinase 2; minus strand). Cytogenetic location: 19p13.3.
Variant type: single nucleotide variant.
Coding change: c.451-7C>T on transcript NM_030662.4 (MANE Select); 7 bases into the intron before coding-DNA position 451, C replaced by T.
Molecular consequence: intron variant.
Genome position (GRCh38, 1-based): chr19:4,102,460, G>A on the plus strand (C>T on the coding strand, the complement: MAP2K2 is on the minus strand). VCF-style: chr19-4102460-G-A. GRCh37 (hg19) VCF-style: chr19-4102458-G-A.
Identifiers: ClinVar variation 700123 (VCV000700123.40), dbSNP rs780396876, ClinGen allele CA9090964.
Genomic context (GRCh38, chr19:4,102,460, plus strand): 5'-CTCCTCGGGAATCCTCTTGGCCTCTTTCAGCACCTGGTCCAGGGAGCCGCCGTCCTAGAG[G>A]GCACACAAGGAGTGAGTGCAGGCTCTGCGCAGGTGGCCGGGAAGCCACGGATGCGTCCCC-3'

ClinVar aggregate classification (germline): Conflicting classifications of pathogenicity. Review status: criteria provided, conflicting classifications (1 of 4 stars). 7 submissions from 7 submitters: Uncertain significance (1); Likely benign (5). 1 of the submissions does not count toward it. Last evaluated 2026-09-01.

Conditions:
RASopathy. Also called: rasopathies; Noonan spectrum disorder. Identifiers: Orphanet 536391, MedGen C5555857, MONDO:0021060.
MAP2K2-related disorder. Also called: MAP2K2-related condition.
Monogenic short statue.

Allele frequency attached by ClinVar (database versions not stated): gnomAD exomes 0.00004 and 0.00009; TOPMed 0.00005; gnomAD 0.00006 and 0.00007; ExAC 0.00009.
gnomAD v4.1: 147 of 1,591,758 alleles (0.0092%); highest among the groups gnomAD compares: Non-Finnish European, 0.012%; no homozygotes.

Submissions (7):

CeGaT Center for Human Genetics Tuebingen
Classification: Likely benign. Last evaluated: 2026-09-01. Review status: criteria provided, single submitter. Criteria: CeGaT Center For Human Genetics Tuebingen Variant Classification Criteria Version 2. Collection method: clinical testing. Allele origin: germline. Affected: yes. Observed: 2 variant alleles.
Comment: MAP2K2: BP4, BS2

NHS Central & South Genomic Laboratory Hub
Classification: Uncertain significance for Monogenic short statue. Last evaluated: 2026-08-06. Review status: criteria provided, single submitter. Criteria: ACMG Guidelines, 2015. Collection method: clinical testing. Allele origin: germline. Affected: yes.

Labcorp Genetics (formerly Invitae), Labcorp
Classification: Likely benign for RASopathy. Last evaluated: 2026-01-29. Review status: criteria provided, single submitter. Criteria: Invitae Variant Classification Sherloc (09022015). Collection method: clinical testing. Allele origin: germline.

Women's Health and Genetics/Laboratory Corporation of America, LabCorp
Classification: Likely benign. Last evaluated: 2025-04-23. Review status: criteria provided, single submitter. Criteria: LabCorp Variant Classification Summary - May 2015. Collection method: clinical testing. Allele origin: germline.
Comment: Variant summary: MAP2K2 c.451-7C>T alters a non-conserved nucleotide located at a position not widely known to affect splicing. Consensus agreement among computation tools predict no significant impact on normal splicing. However, these predictions have yet to be confirmed by functional studies. The variant allele was found at a frequency of 3.7e-05 in 216948 control chromosomes. The available data on variant occurrences in the general population are insufficient to allow any conclusion about variant significance. c.451-7C>T has been reported in the literature in at-least one individual from a cohort that was tested for Noonan Syndrome and authors classified the variant as VUS (Leach_2019). This report does not provide unequivocal conclusions about association of the variant with Noonan Syndrome And Related Conditions. To our knowledge, no experimental evidence demonstrating an impact on protein function has been reported. The following publication has been ascertained in the context of this evaluation (PMID: 29907801). ClinVar contains an entry for this variant (Variation ID: 700123). Based on the evidence outlined above, the variant was classified as likely benign.

Blueprint Genetics
Classification: Likely benign. Last evaluated: 2023-05-05. Review status: criteria provided, single submitter. Criteria: ACMG Guidelines, 2015. Collection method: clinical testing. Allele origin: germline.

GeneDx
Classification: Likely benign. Last evaluated: 2018-09-19. Review status: criteria provided, single submitter. Criteria: GeneDx Variant Classification Process June 2021. Collection method: clinical testing. Allele origin: germline. Affected: yes.
Comment: This variant is associated with the following publications: (PMID: 29907801, 30050098)

PreventionGenetics, part of Exact Sciences
Classification: Likely benign for MAP2K2-related condition. Last evaluated: 2020-04-08. Review status: no assertion criteria provided. Collection method: clinical testing. Allele origin: germline. Not counted in ClinVar's aggregate classification.
Comment: This variant is classified as likely benign based on ACMG/AMP sequence variant interpretation guidelines (Richards et al. 2015 PMID: 25741868, with internal and published modifications).

Literature cited by the submitters: PubMed 29907801 (cited by Women's Health and Genetics/Laboratory Corporation of America, LabCorp).